The following is an entry in ClinVar:

ClinVar aggregate classification (germline): Uncertain significance. Review status: criteria provided, multiple submitters, no conflicts (2 of 4 stars). 2 submissions from 2 submitters: Uncertain significance (2). Last evaluated 2024-08-28.

Allele frequency attached by ClinVar (database versions not stated): TOPMed 0.00001.
gnomAD v4.1: 1 of 1,604,654 alleles (0.000062%); highest among the groups gnomAD compares: Non-Finnish European, 0.000085%; no homozygotes.

Submissions (2):

Labcorp Genetics (formerly Invitae), Labcorp
Classification: Uncertain significance. Last evaluated: 2024-08-28. Review status: criteria provided, single submitter. Criteria: Invitae Variant Classification Sherloc (09022015). Collection method: clinical testing. Allele origin: germline.
Comment: This sequence change replaces lysine, which is basic and polar, with asparagine, which is neutral and polar, at codon 250 of the IL23R protein (p.Lys250Asn). This variant is not present in population databases (gnomAD no frequency). This variant has not been reported in the literature in individuals affected with IL23R-related conditions. ClinVar contains an entry for this variant (Variation ID: 2278610). An algorithm developed to predict the effect of missense changes on protein structure and function outputs the following: PolyPhen-2: "Possibly Damaging". The asparagine amino acid residue is found in multiple mammalian species, which suggests that this missense change does not adversely affect protein function. In summary, the available evidence is currently insufficient to determine the role of this variant in disease. Therefore, it has been classified as a Variant of Uncertain Significance.

Ambry Genetics
Classification: Uncertain significance. Last evaluated: 2022-03-16. Review status: criteria provided, single submitter. Criteria: Ambry Variant Classification Scheme 2023. Collection method: clinical testing. Allele origin: germline.

NM_144701.3(IL23R):c.750G>C (p.Lys250Asn)

Gene: IL23R (interleukin 23 receptor; plus strand). Cytogenetic location: 1p31.3.
Variant type: single nucleotide variant.
Coding change: c.750G>C on transcript NM_144701.3 (MANE Select); coding-DNA position 750, G replaced by C.
Protein change: p.Lys250Asn; replaces lysine 250 with asparagine.
Molecular consequence: missense variant.
Genome position (GRCh38, 1-based): chr1:67,207,007, G>C. VCF-style: chr1-67207007-G-C. GRCh37 (hg19) VCF-style: chr1-67672690-G-C.
Other names: short protein forms K250N.
Identifiers: ClinVar variation 2278610 (VCV002278610.4), dbSNP rs970390731, ClinGen allele CA340728412.
Genomic context (GRCh38, chr1:67,207,007, plus strand): 5'-TATAAATGCTACAGTGCCCAAGACCATAATTTATTGGGATAGTCAAACAACAATTGAAAA[G>C]GTTTCCTGTGAAATGAGATACAAGGCTACAACAAACCAAACTTGGAATGTAAGCTCAACT-3'
Protein context (NP_653302.2, residues 240-260): IYWDSQTTIE[Lys250Asn]VSCEMRYKAT